The following is an entry in ClinVar:

NM_001161352.2(KCNMA1):c.1067G>C (p.Gly356Ala)

Gene: KCNMA1 (potassium calcium-activated channel subfamily M alpha 1; minus strand). Cytogenetic location: 10q22.3.
Variant type: single nucleotide variant.
Coding change: c.1067G>C on transcript NM_001161352.2 (MANE Select); coding-DNA position 1067, G replaced by C.
Protein change: p.Gly356Ala; replaces glycine 356 with alanine.
Molecular consequence: missense variant.
Genome position (GRCh38, 1-based): chr10:77,110,237, C>G on the plus strand (G>C on the coding strand, the complement: KCNMA1 is on the minus strand). VCF-style: chr10-77110237-C-G. GRCh37 (hg19) VCF-style: chr10-78869995-C-G.
Other names: c.1067G>C, p.Gly356Ala (NM_001014797.3, NM_001161353.2, NM_001271519.2 and 9 more transcripts); c.905G>C, p.Gly302Ala (NM_001271518.2); c.527G>C, p.Gly176Ala (NM_001322838.2); c.1199G>C, p.Gly400Ala (NM_001437422.1); short protein forms G176A, G302A, G356A, G400A.
Identifiers: ClinVar variation 4879205 (VCV004879205.1).
Genomic context (GRCh38, chr10:77,110,237, plus strand): 5'-CCCCCGAGGATGAAGAAGACCATGAAGAGGCGCCCAAGTGTGGTTTTTGCATAAACATCC[C>G]CATAACCAACGGTGGACATTGTGACCATGAGTAAATAGACACATTCCCAGTAGGTGAGAG-3'
Protein context (NP_001154824.1, residues 346-366): LMVTMSTVGY[Gly356Ala]DVYAKTTLGR

ClinVar aggregate classification (germline): Likely pathogenic (1 of 4 stars; one submission).

Conditions:
Generalized epilepsy-paroxysmal dyskinesia syndrome (PNKD3). Also called: Generalized epilepsy and paroxysmal dyskinesia; Paroxysmal nonkinesigenic dyskinesia, 3, with or without generalized epilepsy. Identifiers: Orphanet 79137, MedGen C5574945, MONDO:0012276, OMIM 609446.

Submission:

Clinical Genomics Laboratory, Washington University in St. Louis
Classification: Likely pathogenic for Generalized epilepsy-paroxysmal dyskinesia syndrome. Last evaluated: 2025-12-26. Review status: criteria provided, single submitter. Criteria: ACMG Guidelines, 2015. Collection method: clinical testing. Allele origin: germline. Affected: yes.
Comment: The KCNMA1 c.1067G>C (p.Gly356Ala) variant, to our knowledge, has not been reported in the medical literature and is absent from the general population (gnomAD v2.1.1), indicating it is not a common variant. Computational predictors indicate that the variant is damaging, evidence that correlates with impact on KCNMA1 function. Additionally, another variant in the same codon (p.Gly356Arg) has been reported as occurring de novo in at least one affected individual (Liang L et al., PMID: 31152168). Based on available information and the ACMG/AMP guidelines for variant interpretation (Richards S et al., PMID: 25741868), this variant is classified as likely pathogenic.